The following is an entry in ClinVar:

ClinVar aggregate classification (germline): Uncertain significance (1 of 4 stars; one submission).

gnomAD v4.1: 7 of 1,612,922 alleles (0.00043%); highest among the groups gnomAD compares: Non-Finnish European, 0.00051%; no homozygotes.

Submission:

Labcorp Genetics (formerly Invitae), Labcorp
Classification: Uncertain significance. Last evaluated: 2024-07-12. Review status: criteria provided, single submitter. Criteria: Invitae Variant Classification Sherloc (09022015). Collection method: clinical testing. Allele origin: germline.
Comment: This sequence change creates a premature translational stop signal (p.Gln294*) in the CEP89 gene. It is expected to result in an absent or disrupted protein product. However, the current clinical and genetic evidence is not sufficient to establish whether loss-of-function variants in CEP89 cause disease. This variant is present in population databases (no rsID available, gnomAD 0.0009%). This variant has not been reported in the literature in individuals affected with CEP89-related conditions. In summary, the available evidence is currently insufficient to determine the role of this variant in disease. Therefore, it has been classified as a Variant of Uncertain Significance.

NM_032816.5(CEP89):c.880C>T (p.Gln294Ter)

Gene: CEP89 (centrosomal protein 89; minus strand). Cytogenetic location: 19q13.11.
Variant type: single nucleotide variant.
Coding change: c.880C>T on transcript NM_032816.5 (MANE Select); coding-DNA position 880, C replaced by T.
Protein change: p.Gln294Ter; replaces glutamine 294 with a stop codon.
Molecular consequence: nonsense.
Genome position (GRCh38, 1-based): chr19:32,933,457, G>A on the plus strand (C>T on the coding strand, the complement: CEP89 is on the minus strand). VCF-style: chr19-32933457-G-A. GRCh37 (hg19) VCF-style: chr19-33424363-G-A.
Other names: short protein forms Q294*.
Identifiers: ClinVar variation 3695298 (VCV003695298.2).